The following is an entry in ClinVar:

ClinVar aggregate classification (germline): Uncertain significance (1 of 4 stars; one submission).

Allele frequency attached by ClinVar (database versions not stated): gnomAD 0.00001; ExAC 0.00003; TOPMed 0.00003.
gnomAD v4.1: 21 of 1,613,454 alleles (0.0013%); highest among the groups gnomAD compares: East Asian, 0.0022%; no homozygotes.

Submissions (2):

Ambry Genetics
Classification: Uncertain significance. Last evaluated: 2021-10-06. Review status: criteria provided, single submitter. Criteria: Ambry Variant Classification Scheme 2023. Collection method: clinical testing. Allele origin: germline.
Comment: The c.1106G>A (p.R369H) alteration is located in exon (coding exon ) of the SH3RF3 gene. This alteration results from a G to A substitution at nucleotide position 1106, causing the arginine (R) at amino acid position 369 to be replaced by a histidine (H). Based on insufficient or conflicting evidence, the clinical significance of this alteration remains unclear.

Dr. Peter K. Rogan Lab, Western University
No classification provided (evidence only). Condition: Sarcoma. Review status: no classification provided. Collection method: in vitro. Allele origin: not applicable. Functional consequence: retained intron. Not counted in ClinVar's aggregate classification.

NM_001099289.3(SH3RF3):c.1106G>A (p.Arg369His)

Genes: RANBP2 (RAN binding protein 2; plus strand), SH3RF3 (SH3 domain containing ring finger 3; plus strand). Cytogenetic location: 2q13.
Variant type: single nucleotide variant.
Coding change: c.1106G>A on transcript NM_001099289.3 (MANE Select); coding-DNA position 1106, G replaced by A.
Protein change: p.Arg369His; replaces arginine 369 with histidine.
Molecular consequence: missense variant.
Genome position (GRCh38, 1-based): chr2:109,398,750, G>A. VCF-style: chr2-109398750-G-A. GRCh37 (hg19) VCF-style: chr2-110015206-G-A.
Other names: NC_000002.11:g.110015206G>A; short protein forms R369H.
Identifiers: ClinVar variation 2253903 (VCV002253903.3), dbSNP rs775607861, ClinGen allele CA1825545.